The following is an entry in ClinVar:

ClinVar aggregate classification (germline): Pathogenic (1 of 4 stars; one submission).

Submission:

GeneDx
Classification: Pathogenic. Last evaluated: 2026-08-04. Review status: criteria provided, single submitter. Criteria: GeneDx Variant Classification Process June 2021. Collection method: clinical testing. Allele origin: germline.
Comment: Not observed at significant frequency in large population cohorts (gnomAD); Alters the last nucleotide of the exon and is predicted to damage the splice donor site but the effect on protein function is unclear; Has not been previously published as pathogenic or benign to our knowledge

NM_001148.6(ANK2):c.11032G>A (p.Gly3678Arg)

Gene: ANK2 (ankyrin 2; plus strand). Cytogenetic location: 4q26.
Variant type: single nucleotide variant.
Coding change: c.11032G>A on transcript NM_001148.6 (MANE Select); coding-DNA position 11032, G replaced by A.
Protein change: p.Gly3678Arg; replaces glycine 3678 with arginine.
Molecular consequence: missense variant.
Genome position (GRCh38, 1-based): chr4:113,365,182, G>A. VCF-style: chr4-113365182-G-A. GRCh37 (hg19) VCF-style: chr4-114286338-G-A.
Other names: c.4711G>A, p.Gly1571Arg (NM_001386161.1, NM_001354244.2, NM_001354256.2); c.4591G>A, p.Gly1531Arg (NM_001386162.1, NM_001354249.2, NM_001354266.2 and 2 more transcripts); c.7432G>A, p.Gly2478Arg (NM_001386166.1); c.1177G>A, p.Gly393Arg (NM_001386167.1); c.11173G>A, p.Gly3725Arg (NM_001386174.1); c.11149G>A, p.Gly3717Arg (NM_001386175.1); c.4762G>A, p.Gly1588Arg (NM_001386186.2, NM_001386148.2); c.4642G>A, p.Gly1548Arg (NM_001386187.2); and 35 more; short protein forms G1432R, G1465R, G1493R, G1498R, G1506R, G1515R, G1518R, G1520R.
Identifiers: ClinVar variation 3365181 (VCV003365181.2).